The following is an entry in ClinVar:

ClinVar aggregate classification (germline): Uncertain significance (1 of 4 stars; one submission).

Conditions:
Muscular dystrophy-dystroglycanopathy type B6 (MDDGB6). Also called: MUSCULAR DYSTROPHY-DYSTROGLYCANOPATHY (CONGENITAL WITH IMPAIRED INTELLECTUAL DEVELOPMENT), TYPE B, 6; MUSCULAR DYSTROPHY, CONGENITAL, LARGE-RELATED; MUSCULAR DYSTROPHY, CONGENITAL, TYPE 1D. Identifiers: MedGen C1837229, MONDO:0012138, OMIM 608840.

Allele frequency attached by ClinVar (database versions not stated): ExAC 0.00001; gnomAD 0.00002; gnomAD exomes 0.00002; TOPMed 0.00002.
gnomAD v4.1: 8 of 1,614,034 alleles (0.0005%); highest among the groups gnomAD compares: Admixed American, 0.013%; no homozygotes.

Submission:

Labcorp Genetics (formerly Invitae), Labcorp
Classification: Uncertain significance for Muscular dystrophy-dystroglycanopathy type B6. Last evaluated: 2021-08-27. Review status: criteria provided, single submitter. Criteria: Invitae Variant Classification Sherloc (09022015). Collection method: clinical testing. Allele origin: germline.
Comment: This sequence change falls in intron 10 of the LARGE1 gene. It does not directly change the encoded amino acid sequence of the LARGE1 protein. It affects a nucleotide within the consensus splice site of the intron. This variant is present in population databases (rs755662032, ExAC 0.009%). This variant has not been reported in the literature in individuals affected with LARGE1-related conditions. Variants that disrupt the consensus splice site are a relatively common cause of aberrant splicing (PMID: 17576681, 9536098). Algorithms developed to predict the effect of sequence changes on RNA splicing suggest that this variant may disrupt the consensus splice site. In summary, the available evidence is currently insufficient to determine the role of this variant in disease. Therefore, it has been classified as a Variant of Uncertain Significance.

Literature cited by the submitters: PubMed 17576681; PubMed 9536098.

NM_133642.5(LARGE1):c.1132-3C>G

Gene: LARGE1 (LARGE xylosyl- and glucuronyltransferase 1; minus strand). Cytogenetic location: 22q12.3.
Variant type: single nucleotide variant.
Coding change: c.1132-3C>G on transcript NM_133642.5 (MANE Select); 3 bases into the intron before coding-DNA position 1132, C replaced by G.
Molecular consequence: intron variant.
Genome position (GRCh38, 1-based): chr22:33,337,804, G>C on the plus strand (C>G on the coding strand, the complement: LARGE1 is on the minus strand). VCF-style: chr22-33337804-G-C. GRCh37 (hg19) VCF-style: chr22-33733790-G-C.
Other names: c.1132-3C>G (NM_001362953.2, NM_001362949.2, NM_001378627.1 and 6 more transcripts); c.1132-21556C>G (NM_001378629.1); c.529-21556C>G (NM_001378631.1); c.529-3C>G (NM_001378630.1).
Identifiers: ClinVar variation 573486 (VCV000573486.6), dbSNP rs755662032, ClinGen allele CA10202832.
Genomic context (GRCh38, chr22:33,337,804, plus strand): 5'-AAAACTCCACATGCTTGTTCTTCACCCGGAGCTTCTTGGGGGAGTTCCAGTGAATGACCT[G>C]GCAGGGAGATAAGGAAGTGGTCAGGTATGGCAGGGGTGGGGTGGGGATCCCTCACACCTG-3'